The following is an entry in ClinVar:

ClinVar aggregate classification (germline): Uncertain significance (1 of 4 stars; one submission).

Submission:

GeneDx
Classification: Uncertain significance. Last evaluated: 2024-08-06. Review status: criteria provided, single submitter. Criteria: GeneDx Variant Classification Process June 2021. Collection method: clinical testing. Allele origin: germline. Affected: yes.
Comment: Not observed at significant frequency in large population cohorts (gnomAD); In silico analysis supports that this missense variant has a deleterious effect on protein structure/function; Has not been previously published as pathogenic or benign to our knowledge

NM_017563.5(IL17RD):c.1082G>A (p.Cys361Tyr)

Gene: IL17RD (interleukin 17 receptor D; minus strand). Cytogenetic location: 3p14.3.
Variant type: single nucleotide variant.
Coding change: c.1082G>A on transcript NM_017563.5 (MANE Select); coding-DNA position 1082, G replaced by A.
Protein change: p.Cys361Tyr; replaces cysteine 361 with tyrosine.
Molecular consequence: missense variant.
Genome position (GRCh38, 1-based): chr3:57,101,261, C>T on the plus strand (G>A on the coding strand, the complement: IL17RD is on the minus strand). VCF-style: chr3-57101261-C-T. GRCh37 (hg19) VCF-style: chr3-57135289-C-T.
Other names: c.650G>A, p.Cys217Tyr (NM_001318864.2); short protein forms C217Y, C361Y.
Identifiers: ClinVar variation 3602826 (VCV003602826.1).